The following is an entry in ClinVar:

ClinVar aggregate classification (germline): Pathogenic. Review status: reviewed by expert panel (3 of 4 stars). 2 submissions from 2 submitters: Pathogenic (1). 1 of the submissions does not count toward it. Last evaluated 2016-10-18.

Conditions:
Breast-ovarian cancer, familial, susceptibility to, 1 (BROVCA1). Also called: BRCA1 Hereditary Breast and Ovarian Cancer; OVARIAN CANCER, SUSCEPTIBILITY TO. Identifiers: Orphanet 145, MedGen C2676676, MONDO:0011450, OMIM 604370. Disease mechanism: loss of function.

Submissions (2):

Evidence-based Network for the Interpretation of Germline Mutant Alleles (ENIGMA)
Classification: Pathogenic for Breast-ovarian cancer, familial, susceptibility to, 1. Last evaluated: 2016-10-18. Review status: reviewed by expert panel. Criteria: ENIGMA BRCA1/2 Classification Criteria (2015). Collection method: curation. Allele origin: germline.
Comment: Variant allele predicted to encode a truncated non-functional protein.

Consortium of Investigators of Modifiers of BRCA1/2 (CIMBA), c/o University of Cambridge
Classification: Pathogenic for Breast-ovarian cancer, familial, susceptibility to, 1. Last evaluated: 2015-10-02. Review status: criteria provided, single submitter. Criteria: CIMBA Mutation Classification guidelines May 2016. Collection method: clinical testing. Allele origin: germline. Not counted in ClinVar's aggregate classification.

NM_007294.4(BRCA1):c.4743del (p.Asp1582fs)

Gene: BRCA1 (BRCA1 DNA repair associated; minus strand). Cytogenetic location: 17q21.31.
Variant type: Deletion.
Coding change: c.4743del on transcript NM_007294.4 (MANE Select); coding-DNA position 4743, one base deleted (A; older notation c.4743delA).
Protein change: p.Asp1582fs; shifts the reading frame from aspartic acid 1582.
Molecular consequence: frameshift variant. On other transcripts: non-coding transcript variant (1).
Genome position (GRCh38, 1-based): chr17:43,071,171, T deleted on the plus strand (A on the coding strand, the reverse complement: BRCA1 is on the minus strand); the first of 2 consecutive T bases (chr17:43,071,171-43,071,172); deleting either gives the same sequence. VCF-style (leftmost placement, unchanged base first): chr17-43071170-CT-C. GRCh37 (hg19) VCF-style: chr17-41223187-CT-C.
Other names: 4861_4862delA; c.4664delA, p.Asp1556Thrfs (NM_001407655.1, NM_001407653.1, NM_001407654.1); c.4661delA, p.Asp1555Thrfs (NM_001407656.1, NM_001407657.1, NM_001407658.1); c.4658delA, p.Asp1554Thrfs (NM_001407659.1, NM_001407660.1, NM_001407661.1 and 2 more transcripts); c.4619delA, p.Asp1541Thrfs (NM_001407664.1, NM_001407665.1, NM_001407666.1 and 6 more transcripts); c.4616delA, p.Asp1540Thrfs (NM_001407670.1, NM_001407671.1, NM_001407672.1 and 11 more transcripts); c.4613delA, p.Asp1539Thrfs (NM_001407681.1, NM_001407682.1, NM_001407683.1 and 6 more transcripts); c.4742delA, p.Asp1582Thrfs (NM_001407684.1, NM_001407854.1, NM_007294.3 and 9 more transcripts); and 74 more; short protein forms D1603fs, D1582fs, D1535fs, D478fs.
Identifiers: ClinVar variation 266493 (VCV000266493.6), dbSNP rs886040246, ClinGen allele CA10589646.